The following is an entry in ClinVar:

ClinVar aggregate classification (germline): Pathogenic (1 of 4 stars; one submission).

Conditions:
Hypertrophic cardiomyopathy 26. Also called: Cardiomyopathy, familial hypertrophic, 26. Identifiers: Orphanet 75249, MedGen C4310749, MONDO:0014883, OMIM 617047.
Myofibrillar myopathy 5. Also called: Filaminopathy (type); FILAMINOPATHY, AUTOSOMAL DOMINANT. Identifiers: Orphanet 171445, MedGen C1836050, MONDO:0012289, OMIM 609524.
Distal myopathy with posterior leg and anterior hand involvement. Also called: WILLIAMS DISTAL MYOPATHY. Identifiers: Orphanet 63273, MedGen C3279722, MONDO:0013550, OMIM 614065.

Submission:

Labcorp Genetics (formerly Invitae), Labcorp
Classification: Pathogenic for Distal myopathy with posterior leg and anterior hand involvement; Myofibrillar myopathy 5; Hypertrophic cardiomyopathy 26. Last evaluated: 2025-01-31. Review status: criteria provided, single submitter. Criteria: Invitae Variant Classification Sherloc (09022015). Collection method: clinical testing. Allele origin: germline.
Comment: This sequence change creates a premature translational stop signal (p.Val466Cysfs*8) in the FLNC gene. It is expected to result in an absent or disrupted protein product. Loss-of-function variants in FLNC are known to be pathogenic (PMID: 27908349). This variant is not present in population databases (gnomAD no frequency). This variant has not been reported in the literature in individuals affected with FLNC-related conditions. For these reasons, this variant has been classified as Pathogenic.

Literature cited by the submitters: PubMed 27908349.

NM_001458.5(FLNC):c.1391dup (p.Val466fs)

Gene: FLNC (filamin C; plus strand). Cytogenetic location: 7q32.1.
Variant type: Duplication.
Coding change: c.1391dup on transcript NM_001458.5 (MANE Select); coding-DNA position 1391, one base duplicated (T; older notation c.1391dupT).
Protein change: p.Val466fs; shifts the reading frame from valine 466.
Molecular consequence: frameshift variant.
Genome position (GRCh38, 1-based): chr7:128,838,783, T duplicated; the last of 2 consecutive T bases (chr7:128,838,782-128,838,783); duplicating either gives the same sequence. VCF-style (leftmost placement, unchanged base first): chr7-128838781-C-CT. GRCh37 (hg19) VCF-style: chr7-128478835-C-CT.
Other names: c.1391dup, p.Val466fs (NM_001127487.2); short protein forms V466fs.
Identifiers: ClinVar variation 4812452 (VCV004812452.1).
Genomic context (GRCh38, chr7:128,838,781, plus strand): 5'-CATGGAGGGGCCACATACCGTGCATGTGGCCTTTGCGGGTGCCCCCATCACCCGCAGTCC[C>CT]TTCCCTGTCCATGTGTCGGAAGGTAAGGGCCCTTCACTGCTCCCCACGGTAGCCCTTACC-3'